The following is an entry in ClinVar:

NM_001365276.2(TNXB):c.4660del (p.Leu1554fs)

Gene: TNXB (tenascin XB; minus strand). Cytogenetic location: 6p21.33.
Variant type: Deletion.
Coding change: c.4660del on transcript NM_001365276.2 (MANE Select); coding-DNA position 4660, one base deleted (C; older notation c.4660delC).
Protein change: p.Leu1554fs; shifts the reading frame from leucine 1554.
Molecular consequence: frameshift variant.
Genome position (GRCh38, 1-based): chr6:32,073,668, G deleted on the plus strand (C on the coding strand, the reverse complement: TNXB is on the minus strand); the first of 5 consecutive G bases (chr6:32,073,668-32,073,672); deleting any one gives the same sequence. VCF-style (leftmost placement, unchanged base first): chr6-32073667-AG-A. GRCh37 (hg19) VCF-style: chr6-32041444-AG-A.
Other names: c.5401del, p.Leu1801fs (NM_001428335.1); c.4660del, p.Leu1554fs (NM_019105.8); short protein forms L1554fs, L1801fs.
Identifiers: ClinVar variation 5040355 (VCV005040355.1).

ClinVar aggregate classification (germline): Pathogenic (1 of 4 stars; one submission).

Submission:

CeGaT Center for Human Genetics Tuebingen
Classification: Pathogenic. Last evaluated: 2026-08-01. Review status: criteria provided, single submitter. Criteria: CeGaT Center For Human Genetics Tuebingen Variant Classification Criteria Version 2. Collection method: clinical testing. Allele origin: germline. Affected: yes. Observed: 1 variant allele.
Comment: TNXB: PVS1, PM2